The following is an entry in ClinVar:

ClinVar aggregate classification (germline): Uncertain significance (1 of 4 stars; one submission).

Conditions:
Inborn genetic diseases. Identifiers: MedGen C0950123, MeSH D030342.

Submission:

Ambry Genetics
Classification: Uncertain significance for Inborn genetic diseases. Last evaluated: 2025-05-31. Review status: criteria provided, single submitter. Criteria: Ambry Variant Classification Scheme 2023. Collection method: clinical testing. Allele origin: germline.
Comment: The p.C368W variant (also known as c.1104T>G), located in coding exon 5 of the PIK3CA gene, results from a T to G substitution at nucleotide position 1104. The cysteine at codon 368 is replaced by tryptophan, an amino acid with highly dissimilar properties. This amino acid position is conserved. In addition, this alteration is predicted to be deleterious by in silico analysis. Based on the available evidence, the clinical significance of this variant remains unclear.

NM_006218.4(PIK3CA):c.1104T>G (p.Cys368Trp)

Gene: PIK3CA (phosphatidylinositol-4,5-bisphosphate 3-kinase catalytic subunit alpha; plus strand). Cytogenetic location: 3q26.32.
Variant type: single nucleotide variant.
Coding change: c.1104T>G on transcript NM_006218.4 (MANE Select); coding-DNA position 1104, T replaced by G.
Protein change: p.Cys368Trp; replaces cysteine 368 with tryptophan.
Molecular consequence: missense variant.
Genome position (GRCh38, 1-based): chr3:179,204,547, T>G. VCF-style: chr3-179204547-T-G. GRCh37 (hg19) VCF-style: chr3-178922335-T-G.
Other names: short protein forms C368W.
Identifiers: ClinVar variation 3932413 (VCV003932413.1).